The following is an entry in ClinVar:

NM_003809.3(TNFSF12):c.610G>A (p.Gly204Arg)

Genes: TNFSF12 (TNF superfamily member 12; plus strand), TNFSF12-TNFSF13 (TNFSF12-TNFSF13 readthrough; plus strand). Cytogenetic location: 17p13.1.
Variant type: single nucleotide variant.
Coding change: c.610G>A on transcript NM_003809.3 (MANE Select); coding-DNA position 610, G replaced by A.
Protein change: p.Gly204Arg; replaces glycine 204 with arginine.
Molecular consequence: missense variant. On other transcripts: non-coding transcript variant (1), intron variant (1).
Genome position (GRCh38, 1-based): chr17:7,557,210, G>A. VCF-style: chr17-7557210-G-A. GRCh37 (hg19) VCF-style: chr17-7460527-G-A.
Other names: c.498+308G>A (NM_172089.4); short protein forms G204R.
Identifiers: ClinVar variation 1040376 (VCV001040376.9), dbSNP rs746979506, ClinGen allele CA8350886.

ClinVar aggregate classification (germline): Uncertain significance (1 of 4 stars; one submission).

Conditions:
Common variable immunodeficiency (CVID). Also called: Common variable hypogamma-globulinemia; Common variable agammaglobulinemia. Identifiers: Orphanet 1572, MedGen C0009447, MONDO:0015517.

Allele frequency attached by ClinVar (database versions not stated): TOPMed 0.00002.

Submission:

Labcorp Genetics (formerly Invitae), Labcorp
Classification: Uncertain significance for Common variable immunodeficiency. Last evaluated: 2026-01-08. Review status: criteria provided, single submitter. Criteria: Invitae Variant Classification Sherloc (09022015). Collection method: clinical testing. Allele origin: germline.
Comment: This sequence change replaces glycine, which is neutral and non-polar, with arginine, which is basic and polar, at codon 204 of the TNFSF12 protein (p.Gly204Arg). This variant is present in population databases (rs746979506, gnomAD 0.02%). This variant has not been reported in the literature in individuals affected with TNFSF12-related conditions. ClinVar contains an entry for this variant (Variation ID: 1040376). An algorithm developed to predict the effect of missense changes on protein structure and function (PolyPhen-2) suggests that this variant is likely to be disruptive. In summary, the available evidence is currently insufficient to determine the role of this variant in disease. Therefore, it has been classified as a Variant of Uncertain Significance.